The following is an entry in ClinVar:

NM_001206927.2(DNAH8):c.11714del (p.Gly3905fs)

Genes: DNAH8 (dynein axonemal heavy chain 8; plus strand), DNAH8-AS1 (DNAH8 antisense RNA 1; minus strand). Cytogenetic location: 6p21.2.
Variant type: Deletion.
Coding change: c.11714del on transcript NM_001206927.2 (MANE Select); coding-DNA position 11714, one base deleted (G; older notation c.11714delG).
Protein change: p.Gly3905fs; shifts the reading frame from glycine 3905.
Molecular consequence: frameshift variant.
Genome position (GRCh38, 1-based): chr6:38,938,124, G deleted; the last of 2 consecutive G bases (chr6:38,938,123-38,938,124); deleting either gives the same sequence. VCF-style (leftmost placement, unchanged base first): chr6-38938122-CG-C. GRCh37 (hg19) VCF-style: chr6-38905898-CG-C.
Other names: c.11063del, p.Gly3688fs (NM_001371.4); short protein forms G3688fs, G3905fs.
Identifiers: ClinVar variation 2637054 (VCV002637054.3), dbSNP rs758035061, ClinGen allele CA3791158.

ClinVar aggregate classification (germline): Pathogenic/Likely pathogenic. Review status: criteria provided, multiple submitters, no conflicts (2 of 4 stars). 2 submissions from 2 submitters: Pathogenic (1); Likely pathogenic (1). Last evaluated 2024-02-25.

Conditions:
DNAH8-related disorder. Also called: DNAH8-related condition.
Primary ciliary dyskinesia. Also called: Ciliary dyskinesia. Identifiers: Orphanet 244, MedGen C0008780, MONDO:0016575, HP:0012265.

Submissions (2):

Labcorp Genetics (formerly Invitae), Labcorp
Classification: Pathogenic for Primary ciliary dyskinesia. Last evaluated: 2024-02-25. Review status: criteria provided, single submitter. Criteria: Invitae Variant Classification Sherloc (09022015). Collection method: clinical testing. Allele origin: germline.
Comment: This sequence change creates a premature translational stop signal (p.Gly3905Glufs*11) in the DNAH8 gene. It is expected to result in an absent or disrupted protein product. Loss-of-function variants in DNAH8 are known to be pathogenic (PMID: 24307375, 32619401, 32681648). This variant is present in population databases (rs758035061, gnomAD 0.0009%). This variant has not been reported in the literature in individuals affected with DNAH8-related conditions. ClinVar contains an entry for this variant (Variation ID: 2637054). For these reasons, this variant has been classified as Pathogenic.

PreventionGenetics, part of Exact Sciences
Classification: Likely pathogenic for DNAH8-related condition. Last evaluated: 2023-08-03. Review status: criteria provided, single submitter. Criteria: ACMG Guidelines, 2015. Collection method: clinical testing. Allele origin: germline.
Comment: The DNAH8 c.11063delG variant is predicted to result in a frameshift and premature protein termination (p.Gly3688Glufs*11). To our knowledge, this variant has not been reported in the literature. This variant is reported in 0.00088% of alleles in individuals of European (Non-Finnish) descent in gnomAD. Frameshift variants in DNAH8 are expected to be pathogenic. This variant is interpreted as likely pathogenic.

Literature cited by the submitters: PubMed 24307375 (cited by Labcorp Genetics (formerly Invitae), Labcorp); PubMed 32619401 (cited by Labcorp Genetics (formerly Invitae), Labcorp); PubMed 32681648 (cited by Labcorp Genetics (formerly Invitae), Labcorp).